The following is an entry in ClinVar:

NM_199355.4(ADAMTS18):c.736C>T (p.Arg246Ter)

Gene: ADAMTS18 (ADAM metallopeptidase with thrombospondin type 1 motif 18; minus strand). Cytogenetic location: 16q23.1.
Variant type: single nucleotide variant.
Coding change: c.736C>T on transcript NM_199355.4 (MANE Select); coding-DNA position 736, C replaced by T.
Protein change: p.Arg246Ter; replaces arginine 246 with a stop codon.
Molecular consequence: nonsense. On other transcripts: synonymous variant (1).
Genome position (GRCh38, 1-based): chr16:77,367,483, G>A on the plus strand (C>T on the coding strand, the complement: ADAMTS18 is on the minus strand). VCF-style: chr16-77367483-G-A. GRCh37 (hg19) VCF-style: chr16-77401380-G-A.
Other names: c.216C>T, p.Ile72= (NM_001326358.2); short protein forms R246*.
Identifiers: ClinVar variation 1069791 (VCV001069791.7), dbSNP rs2056812732, ClinGen allele CA396823954.

ClinVar aggregate classification (germline): Pathogenic (1 of 4 stars; one submission).

Allele frequency attached by ClinVar (database versions not stated): TOPMed below 0.00001; gnomAD 0.00001.
gnomAD v4.1: 6 of 1,614,072 alleles (0.00037%); highest among the groups gnomAD compares: Middle Eastern, 0.016%; no homozygotes.

Submission:

Labcorp Genetics (formerly Invitae), Labcorp
Classification: Pathogenic. Last evaluated: 2022-06-20. Review status: criteria provided, single submitter. Criteria: Invitae Variant Classification Sherloc (09022015). Collection method: clinical testing. Allele origin: germline.
Comment: For these reasons, this variant has been classified as Pathogenic. ClinVar contains an entry for this variant (Variation ID: 1069791). This variant has not been reported in the literature in individuals affected with ADAMTS18-related conditions. This variant is not present in population databases (gnomAD no frequency). This sequence change creates a premature translational stop signal (p.Arg246*) in the ADAMTS18 gene. It is expected to result in an absent or disrupted protein product. Loss-of-function variants in ADAMTS18 are known to be pathogenic (PMID: 23818446, 24874986).

Literature cited by the submitters: PubMed 23818446; PubMed 24874986.